The following is an entry in ClinVar:

ClinVar aggregate classification (germline): Uncertain significance. Review status: criteria provided, multiple submitters, no conflicts (2 of 4 stars). 2 submissions from 2 submitters: Uncertain significance (2). Last evaluated 2025-08-14.

Conditions:
Inborn genetic diseases. Identifiers: MedGen C0950123, MeSH D030342.

Submissions (2):

GeneDx
Classification: Uncertain significance. Last evaluated: 2025-08-14. Review status: criteria provided, single submitter. Criteria: GeneDx Variant Classification Process June 2021. Collection method: clinical testing. Allele origin: germline. Affected: yes.
Comment: In-frame deletion of 1 amino acid(s) in a non-repeat region; In silico analysis supports a deleterious effect on protein structure/function; Has not been previously published as pathogenic or benign to our knowledge

Ambry Genetics
Classification: Uncertain significance for Inborn genetic diseases. Last evaluated: 2021-09-29. Review status: criteria provided, single submitter. Criteria: Ambry Variant Classification Scheme 2023. Collection method: clinical testing. Allele origin: germline.
Comment: The c.1385_1387delGAG (p.G462del) alteration is located in exon 9 (coding exon 9) of the UGP2 gene. This alteration consists of an in-frame deletion of 3 nucleotides between nucleotide positions c.1385 and c.1387, resulting in the deletion of 1 residue. Based on insufficient or conflicting evidence, the clinical significance of this alteration remains unclear.

NM_006759.4(UGP2):c.1385_1387del (p.Gly462del)

Gene: UGP2 (UDP-glucose pyrophosphorylase 2; plus strand). Cytogenetic location: 2p15.
Variant type: Deletion.
Coding change: c.1385_1387del on transcript NM_006759.4 (MANE Select); coding-DNA positions 1385 to 1387, 3 bases deleted (GAG; older notation c.1385_1387delGAG).
Protein change: p.Gly462del; deletes glycine 462.
Molecular consequence: inframe deletion.
Genome position (GRCh38, 1-based): chr2:63,890,151-63,890,153, GAG deleted; deleting any 3 consecutive bases within chr2:63,890,149-63,890,153 gives the same sequence; the c. name uses the placement nearest the transcript's 3' end. VCF-style (leftmost placement, unchanged base first): chr2-63890148-CAGG-C. GRCh37 (hg19) VCF-style: chr2-64117282-CAGG-C.
Other names: c.1385_1387del (NM_006759.3); c.1352_1354del, p.Gly451del (NM_001001521.2, NM_001377524.1, NM_001377525.1); c.1025_1027del, p.Gly342del (NM_001377526.1, NM_001377527.1, NM_001377528.1 and 1 more transcripts); c.1385_1387delGAG (NM_006759.3); short protein forms G342del, G451del, G462del.
Identifiers: ClinVar variation 3186087 (VCV003186087.2), dbSNP rs758358723, ClinGen allele CA1683460.